The following is an entry in ClinVar:

ClinVar aggregate classification (germline): Uncertain significance (1 of 4 stars; one submission).

Allele frequency attached by ClinVar (database versions not stated): gnomAD exomes 0.00001; ExAC 0.00002; TOPMed 0.00002.

Submission:

GeneDx
Classification: Uncertain significance. Last evaluated: 2023-02-25. Review status: criteria provided, single submitter. Criteria: GeneDx Variant Classification Process June 2021. Collection method: clinical testing. Allele origin: germline. Affected: yes.
Comment: Not observed at significant frequency in large population cohorts (gnomAD); In silico analysis supports that this missense variant has a deleterious effect on protein structure/function; Has not been previously published as pathogenic or benign to our knowledge

NM_004551.3(NDUFS3):c.37G>A (p.Gly13Arg)

Gene: NDUFS3 (NADH:ubiquinone oxidoreductase core subunit S3; plus strand). Cytogenetic location: 11p11.2.
Variant type: single nucleotide variant.
Coding change: c.37G>A on transcript NM_004551.3 (MANE Select); coding-DNA position 37, G replaced by A.
Protein change: p.Gly13Arg; replaces glycine 13 with arginine.
Molecular consequence: missense variant.
Genome position (GRCh38, 1-based): chr11:47,579,128, G>A. VCF-style: chr11-47579128-G-A. GRCh37 (hg19) VCF-style: chr11-47600680-G-A.
Other names: short protein forms G13R.
Identifiers: ClinVar variation 2577557 (VCV002577557.1), dbSNP rs751098229, ClinGen allele CA5977774.